The following is an entry in ClinVar:

NM_002692.4(POLE2):c.1498-3A>G

Gene: POLE2 (DNA polymerase epsilon 2, accessory subunit; minus strand). Cytogenetic location: 14q21.3.
Variant type: single nucleotide variant.
Coding change: c.1498-3A>G on transcript NM_002692.4 (MANE Select); 3 bases into the intron before coding-DNA position 1498, A replaced by G.
Molecular consequence: intron variant.
Genome position (GRCh38, 1-based): chr14:49,647,363, T>C on the plus strand (A>G on the coding strand, the complement: POLE2 is on the minus strand). VCF-style: chr14-49647363-T-C. GRCh37 (hg19) VCF-style: chr14-50114081-T-C.
Other names: c.1420-3A>G (NM_001197330.2); c.1495-3A>G (NM_001348384.2); c.1267-3A>G (NM_001348385.2).
Identifiers: ClinVar variation 2045437 (VCV002045437.4), dbSNP rs372478555, ClinGen allele CA7173231.
Genomic context (GRCh38, chr14:49,647,363, plus strand): 5'-CTGTCTTATTAGAAGGATAAAAAACTTTGAATGAAAATCCACTTCTTGGAAAAGAGCCCT[T>C]TGGGGGAGAAAAATGCCTGTAAGTGAATGCTCAGACTTTTTTTTAAAATAAATTTTTTTA-3'

ClinVar aggregate classification (germline): Uncertain significance (1 of 4 stars; one submission).

Allele frequency attached by ClinVar (database versions not stated): ExAC 0.00001; gnomAD exomes 0.00001; gnomAD 0.00006; TOPMed 0.00006; ESP Exome Variant Server 0.00008.
gnomAD v4.1: 16 of 1,531,460 alleles (0.001%); highest among the groups gnomAD compares: African/African-American, 0.014%; no homozygotes.

Submission:

Labcorp Genetics (formerly Invitae), Labcorp
Classification: Uncertain significance. Last evaluated: 2025-09-08. Review status: criteria provided, single submitter. Criteria: Invitae Variant Classification Sherloc (09022015). Collection method: clinical testing. Allele origin: germline.
Comment: This sequence change falls in intron 17 of the POLE2 gene. It does not directly change the encoded amino acid sequence of the POLE2 protein. It affects a nucleotide within the consensus splice site. This variant is present in population databases (rs372478555, gnomAD 0.01%). This variant has not been reported in the literature in individuals affected with POLE2-related conditions. ClinVar contains an entry for this variant (Variation ID: 2045437). Variants that disrupt the consensus splice site are a relatively common cause of aberrant splicing (PMID: 17576681, 9536098). Algorithms developed to predict the effect of sequence changes on RNA splicing suggest that this variant may disrupt the consensus splice site. In summary, the available evidence is currently insufficient to determine the role of this variant in disease. Therefore, it has been classified as a Variant of Uncertain Significance.

Literature cited by the submitters: PubMed 17576681; PubMed 9536098.